The following is an entry in ClinVar:

ClinVar aggregate classification (germline): Conflicting classifications of pathogenicity. Review status: criteria provided, conflicting classifications (1 of 4 stars). 2 submissions from 2 submitters: Likely pathogenic (1); Uncertain significance (1). Last evaluated 2026-01-07.

Conditions:
AFG3L2-related disorder. Also called: AFG3L2-related condition.

Submissions (2):

PreventionGenetics, part of Exact Sciences
Classification: Uncertain significance for AFG3L2-related condition. Last evaluated: 2026-01-07. Review status: criteria provided, single submitter. Criteria: ACMG Guidelines, 2015. Collection method: clinical testing. Allele origin: germline.
Comment: The AFG3L2 c.1012G>A variant is predicted to result in the amino acid substitution p.Ala338Thr. This variant has been reported in the heterozygous state in an individual with an abnormality of the eye (Table S3, Retterer et al. 2016. PubMed ID: 26633542) and in an individual with an inherited eye disease (Table S1, Weisschuh et al. 2024. PubMed ID: 37734845); however patient-specific clinical information and segregation analysis were not available in either case. This variant is absent in a large population database (gnomAD), indicating this variant is rare. Although we suspect that this variant may be pathogenic, at this time, the clinical significance of this variant is uncertain due to the absence of conclusive functional and genetic evidence.

Blueprint Genetics
Classification: Likely pathogenic for AFG3L2-related disorders. Last evaluated: 2022-07-25. Review status: criteria provided, single submitter. Criteria: ACMG Guidelines, 2015. Collection method: clinical testing. Allele origin: germline. Affected: yes. Observed: 5 variant alleles.

NM_006796.3(AFG3L2):c.1012G>A (p.Ala338Thr)

Gene: AFG3L2 (AFG3 like matrix AAA peptidase subunit 2; minus strand). Cytogenetic location: 18p11.21.
Variant type: single nucleotide variant.
Coding change: c.1012G>A on transcript NM_006796.3 (MANE Select); coding-DNA position 1012, G replaced by A.
Protein change: p.Ala338Thr; replaces alanine 338 with threonine.
Molecular consequence: missense variant.
Genome position (GRCh38, 1-based): chr18:12,358,684, C>T on the plus strand (G>A on the coding strand, the complement: AFG3L2 is on the minus strand). VCF-style: chr18-12358684-C-T. GRCh37 (hg19) VCF-style: chr18-12358683-C-T.
Other names: short protein forms A338T.
Identifiers: ClinVar variation 4938201 (VCV004938201.2), dbSNP rs863223889.